The following is an entry in ClinVar:

NM_001349338.3(FOXP1):c.761T>A (p.Leu254Gln)

Gene: FOXP1 (forkhead box P1; minus strand). Cytogenetic location: 3p13.
Variant type: single nucleotide variant.
Coding change: c.761T>A on transcript NM_001349338.3 (MANE Select); coding-DNA position 761, T replaced by A.
Protein change: p.Leu254Gln; replaces leucine 254 with glutamine.
Molecular consequence: missense variant. On other transcripts: non-coding transcript variant (2).
Genome position (GRCh38, 1-based): chr3:71,041,436, A>T on the plus strand (T>A on the coding strand, the complement: FOXP1 is on the minus strand). VCF-style: chr3-71041436-A-T. GRCh37 (hg19) VCF-style: chr3-71090587-A-T.
Other names: c.761T>A, p.Leu254Gln (NM_001244808.3, NM_001244810.2, NM_001244814.3 and 4 more transcripts); c.533T>A, p.Leu178Gln (NM_001244812.3); c.461T>A, p.Leu154Gln (NM_001244813.3, NM_001244815.2, NM_001349342.3 and 1 more transcripts); c.458T>A, p.Leu153Gln (NM_001349337.2, NM_001349343.3, NM_001349344.3); c.758T>A, p.Leu253Gln (NM_001349341.3); c.761T>A (NM_032682.5); short protein forms L153Q, L178Q, L254Q, L154Q, L253Q.
Identifiers: ClinVar variation 2134771 (VCV002134771.5), dbSNP rs2545771104, ClinGen allele CA353562770.

ClinVar aggregate classification (germline): Uncertain significance. Review status: criteria provided, multiple submitters, no conflicts (2 of 4 stars). 2 submissions from 2 submitters: Uncertain significance (2). Last evaluated 2026-03-09.

Submissions (2):

GeneDx
Classification: Uncertain significance. Last evaluated: 2026-03-09. Review status: criteria provided, single submitter. Criteria: GeneDx Variant Classification Process June 2021. Collection method: clinical testing. Allele origin: germline.
Comment: Not observed at significant frequency in large population cohorts (gnomAD); In silico analysis supports that this missense variant has a deleterious effect on protein structure/function; Has not been previously published as pathogenic or benign to our knowledge

Labcorp Genetics (formerly Invitae), Labcorp
Classification: Uncertain significance. Last evaluated: 2025-01-27. Review status: criteria provided, single submitter. Criteria: Invitae Variant Classification Sherloc (09022015). Collection method: clinical testing. Allele origin: germline.
Comment: This sequence change replaces leucine, which is neutral and non-polar, with glutamine, which is neutral and polar, at codon 254 of the FOXP1 protein (p.Leu254Gln). This variant is not present in population databases (gnomAD no frequency). This variant has not been reported in the literature in individuals affected with FOXP1-related conditions. ClinVar contains an entry for this variant (Variation ID: 2134771). Invitae Evidence Modeling of protein sequence and biophysical properties (such as structural, functional, and spatial information, amino acid conservation, physicochemical variation, residue mobility, and thermodynamic stability) indicates that this missense variant is not expected to disrupt FOXP1 protein function with a negative predictive value of 80%. In summary, the available evidence is currently insufficient to determine the role of this variant in disease. Therefore, it has been classified as a Variant of Uncertain Significance.